The following is an entry in ClinVar:

ClinVar aggregate classification (germline): Uncertain significance (0 of 4 stars; one submission).

Submission:

ISCA site 1
Classification: Uncertain significance. Last evaluated: 2011-05-06. Review status: no assertion criteria provided. Collection method: clinical testing. Allele origin: maternal. Affected: yes. Observed: 1 variant allele.
Comment: Copy number variation identified through the course of routine clinical cytogenomic testing in postnatal populations. Clinical assertions have been curated as described in Kaminsky et al. 2011.

Copy number variation identified through the course of routine clinical cytogenomic testing in postnatal populations. Clinical assertions have been curated as described in Kaminsky, et al. 2011 (PubMed 21844811). For additional ClinGen data, please see nstd37.

GRCh38/hg38 1p35.3-35.2(chr1:29860227-30448676)x3

Genes: LINC01648 (long intergenic non-protein coding RNA 1648; minus strand), LOC122056819 (Sharpr-MPRA regulatory region 9119; plus strand), LOC126805677 (P300/CBP strongly-dependent group 1 enhancer GRCh37_chr1:30446776-30447975; plus strand), LOC129388486 (MPRA-validated peak152 silencer; plus strand), LOC132088691 (Neanderthal introgressed variant-containing enhancer experimental_6631; plus strand). Cytogenetic location: 1p35.3-35.2.
Variant type: copy number gain.
Change: copy number 3 (three copies instead of two) of chr1:29,860,227-30,448,676 (588.5 kb, GRCh38 coordinates, 1-based), cytogenetic band 1p35.3-35.2.
Identifiers: ClinVar variation 160864 (VCV000160864.3).